The following is an entry in ClinVar:

NM_000465.4(BARD1):c.418A>G (p.Lys140Glu)

Gene: BARD1 (BRCA1 associated RING domain 1; minus strand). Cytogenetic location: 2q35.
Variant type: single nucleotide variant.
Coding change: c.418A>G on transcript NM_000465.4 (MANE Select); coding-DNA position 418, A replaced by G.
Protein change: p.Lys140Glu; replaces lysine 140 with glutamic acid.
Molecular consequence: missense variant. On other transcripts: non-coding transcript variant (2), intron variant (3).
Genome position (GRCh38, 1-based): chr2:214,781,456, T>C on the plus strand (A>G on the coding strand, the complement: BARD1 is on the minus strand). VCF-style: chr2-214781456-T-C. GRCh37 (hg19) VCF-style: chr2-215646180-T-C.
Other names: c.361A>G, p.Lys121Glu (NM_001282543.2); c.158+27956A>G (NM_001282548.2); c.215+15605A>G (NM_001282545.2); c.364+10841A>G (NM_001282549.2); short protein forms K140E, K121E.
Identifiers: ClinVar variation 3663994 (VCV003663994.2).

ClinVar aggregate classification (germline): Uncertain significance (1 of 4 stars; one submission).

Conditions:
Familial cancer of breast. Also called: Hereditary breast cancer; hereditary breast carcinoma; BREAST CANCER, FAMILIAL. Identifiers: Orphanet 227535, MedGen C0346153, MONDO:0016419, OMIM 114480. Disease mechanism: loss of function.

Submission:

Labcorp Genetics (formerly Invitae), Labcorp
Classification: Uncertain significance for Familial cancer of breast. Last evaluated: 2024-11-30. Review status: criteria provided, single submitter. Criteria: Invitae Variant Classification Sherloc (09022015). Collection method: clinical testing. Allele origin: germline.
Comment: This sequence change replaces lysine, which is basic and polar, with glutamic acid, which is acidic and polar, at codon 140 of the BARD1 protein (p.Lys140Glu). This variant is not present in population databases (gnomAD no frequency). This variant has not been reported in the literature in individuals affected with BARD1-related conditions. An algorithm developed to predict the effect of missense changes on protein structure and function (PolyPhen-2) suggests that this variant is likely to be disruptive. In summary, the available evidence is currently insufficient to determine the role of this variant in disease. Therefore, it has been classified as a Variant of Uncertain Significance.